The following is an entry in ClinVar:

ClinVar aggregate classification (germline): Uncertain significance. Review status: criteria provided, multiple submitters, no conflicts (2 of 4 stars). 2 submissions from 2 submitters: Uncertain significance (2). Last evaluated 2024-05-20.

Conditions:
Early-infantile DEE. Also called: Early infantile epileptic encephalopathy; Ohtahara syndrome; Early infantile epileptic encephalopathy with suppression bursts. Identifiers: Orphanet 1934, MedGen C0393706, MONDO:0800491.

Allele frequency attached by ClinVar (database versions not stated): gnomAD 0.00001; gnomAD exomes below 0.00001; TOPMed below 0.00001.
gnomAD v4.1: 2 of 1,609,642 alleles (0.00012%); highest among the groups gnomAD compares: African/African-American, 0.0013%; no homozygotes.

Submissions (2):

Labcorp Genetics (formerly Invitae), Labcorp
Classification: Uncertain significance for Early-infantile DEE. Last evaluated: 2024-05-20. Review status: criteria provided, single submitter. Criteria: Invitae Variant Classification Sherloc (09022015). Collection method: clinical testing. Allele origin: germline.
Comment: This sequence change replaces glycine, which is neutral and non-polar, with aspartic acid, which is acidic and polar, at codon 232 of the SCN1A protein (p.Gly232Asp). This variant is present in population databases (no rsID available, gnomAD 0.01%). This variant has not been reported in the literature in individuals affected with SCN1A-related conditions. An algorithm developed to predict the effect of missense changes on protein structure and function (PolyPhen-2) suggests that this variant is likely to be disruptive. In summary, the available evidence is currently insufficient to determine the role of this variant in disease. Therefore, it has been classified as a Variant of Uncertain Significance.

GeneDx
Classification: Uncertain significance. Last evaluated: 2024-04-23. Review status: criteria provided, single submitter. Criteria: GeneDx Variant Classification Process June 2021. Collection method: clinical testing. Allele origin: germline. Affected: yes.
Comment: Not observed at significant frequency in large population cohorts (gnomAD); In silico analysis supports that this missense variant has a deleterious effect on protein structure/function; This substitution is predicted to be within the intracellular loop between the S4 and S5 transmembrane segments of the first homologous domain; Has not been previously published as pathogenic or benign to our knowledge

NM_001165963.4(SCN1A):c.695G>A (p.Gly232Asp)

Gene: SCN1A (sodium voltage-gated channel alpha subunit 1; minus strand). Cytogenetic location: 2q24.3.
Variant type: single nucleotide variant.
Coding change: c.695G>A on transcript NM_001165963.4 (MANE Select); coding-DNA position 695, G replaced by A.
Protein change: p.Gly232Asp; replaces glycine 232 with aspartic acid.
Molecular consequence: missense variant. On other transcripts: 5 prime UTR variant (1), non-coding transcript variant (1).
Genome position (GRCh38, 1-based): chr2:166,051,988, C>T on the plus strand (G>A on the coding strand, the complement: SCN1A is on the minus strand). VCF-style: chr2-166051988-C-T. GRCh37 (hg19) VCF-style: chr2-166908498-C-T.
Other names: c.695G>A, p.Gly232Asp (NM_001353950.2, NM_001353951.2, NM_001353952.2 and 10 more transcripts); c.-1731G>A (NM_001353961.2); c.695G>A (NM_001165963.1); short protein forms G232D.
Identifiers: ClinVar variation 2898671 (VCV002898671.4), dbSNP rs1228436536, ClinGen allele CA349073897.